The following is an entry in ClinVar:

ClinVar aggregate classification (germline): Uncertain significance. Review status: criteria provided, multiple submitters, no conflicts (2 of 4 stars). 2 submissions from 2 submitters: Uncertain significance (2). Last evaluated 2024-08-14.

Conditions:
Myofibrillar myopathy 6. Identifiers: Orphanet 199340, MedGen C2751831, MONDO:0013061, OMIM 612954.
Dilated cardiomyopathy 1HH (CMD1HH). Identifiers: Orphanet 154, MedGen C3151293, MONDO:0013479, OMIM 613881.

Allele frequency attached by ClinVar (database versions not stated): gnomAD exomes below 0.00001; ExAC 0.00001.
gnomAD v4.1: 2 of 1,613,690 alleles (0.00012%); highest among the groups gnomAD compares: Non-Finnish European, 0.00017%; no homozygotes.

Submissions (2):

Labcorp Genetics (formerly Invitae), Labcorp
Classification: Uncertain significance for Dilated cardiomyopathy 1HH; Myofibrillar myopathy 6. Last evaluated: 2024-08-14. Review status: criteria provided, single submitter. Criteria: Invitae Variant Classification Sherloc (09022015). Collection method: clinical testing. Allele origin: germline.
Comment: This sequence change replaces glutamic acid, which is acidic and polar, with lysine, which is basic and polar, at codon 143 of the BAG3 protein (p.Glu143Lys). This variant is present in population databases (rs772004889, gnomAD 0.0009%). This variant has not been reported in the literature in individuals affected with BAG3-related conditions. ClinVar contains an entry for this variant (Variation ID: 2439468). Invitae Evidence Modeling of protein sequence and biophysical properties (such as structural, functional, and spatial information, amino acid conservation, physicochemical variation, residue mobility, and thermodynamic stability) indicates that this missense variant is not expected to disrupt BAG3 protein function with a negative predictive value of 80%. In summary, the available evidence is currently insufficient to determine the role of this variant in disease. Therefore, it has been classified as a Variant of Uncertain Significance.

Revvity Omics, Revvity
Classification: Uncertain significance. Last evaluated: 2020-01-30. Review status: criteria provided, single submitter. Criteria: ACMG Guidelines, 2015. Collection method: clinical testing. Allele origin: germline.

NM_004281.4(BAG3):c.427G>A (p.Glu143Lys)

Gene: BAG3 (BAG cochaperone 3; plus strand). Cytogenetic location: 10q26.11.
Variant type: single nucleotide variant.
Coding change: c.427G>A on transcript NM_004281.4 (MANE Select); coding-DNA position 427, G replaced by A.
Protein change: p.Glu143Lys; replaces glutamic acid 143 with lysine.
Molecular consequence: missense variant.
Genome position (GRCh38, 1-based): chr10:119,670,097, G>A. VCF-style: chr10-119670097-G-A. GRCh37 (hg19) VCF-style: chr10-121429609-G-A.
Other names: short protein forms E143K.
Identifiers: ClinVar variation 2439468 (VCV002439468.5), dbSNP rs772004889, ClinGen allele CA5716318.
Genomic context (GRCh38, chr10:119,670,097, plus strand): 5'-CGAACTGAGGCGGCAGCAGCGGCTCCTCAGAGGTCCCAGTCACCTCTGCGGGGCATGCCA[G>A]AAACCACTCAGCCAGATAAACAGTGTGGACAGGTGGCAGCGGCGGCGGCAGCCCAGCCCC-3'
Protein context (NP_004272.2, residues 133-153): RSQSPLRGMP[Glu143Lys]TTQPDKQCGQ